The following is an entry in ClinVar:

ClinVar aggregate classification (germline): Likely pathogenic. Review status: criteria provided, single submitter (1 of 4 stars). 2 submissions from 2 submitters: Likely pathogenic (1). 1 of the submissions does not count toward it. Last evaluated 2020-04-16.

Conditions:
Ehlers-Danlos syndrome, type 4 (EDSVASC). Also called: Ehlers-Danlos syndrome vascular type; Ehlers Danlos syndrome, ecchymotic type; Ehlers Danlos syndrome, arterial type; Ehlers Danlos syndrome, Sack-Barabas type; Ehlers-Danlos Syndrome Type IV. Identifiers: Orphanet 286, MedGen C0268338, MONDO:0017314, OMIM 130050.

Submissions (2):

Laboratory for Molecular Medicine, Mass General Brigham Personalized Medicine
Classification: Likely pathogenic for Ehlers-Danlos syndrome, type 4. Last evaluated: 2020-04-16. Review status: criteria provided, single submitter. Criteria: ACMG Guidelines, 2015. Collection method: clinical testing. Allele origin: germline. Inheritance: Autosomal dominant inheritance.
Comment: The p.Gly417Arg variant (previously called p.Gly250Arg) in COL3A1 has been reported in at least 1 individual with clinical features of Ehlers-Danlos syndrome type IV (EDS IV, vascular) (Pepin 2000) and was absent from large population studies. Computational prediction tools and conservation analysis suggest that this variant may impact the protein, though this information is not predictive enough to determine pathogenicity. Variants in COL3A1 affecting conserved glycine (Gly) residues of the G-X-Y repeat region in the triple helical collagen domain, where this variant is located, are strongly associated with EDS IV (Pepin 2000, Pepin 2014, Frank 2015). In summary, although additional studies are required to fully establish its clinical significance, this variant meets criteria to be classified as likely pathogenic for autosomal dominant EDS IV. ACMG/AMP Criteria applied: PM1, PS4_Supporting, PM2, PP3.

Collagen Diagnostic Laboratory, University of Washington
Classification: Pathogenic for Ehlers-Danlos syndrome, type 4. Review status: no assertion criteria provided. Collection method: clinical testing. Allele origin: germline. Affected: yes. Not counted in ClinVar's aggregate classification.

Literature cited by the submitters: PubMed 10706896 (cited by Laboratory for Molecular Medicine, Mass General Brigham Personalized Medicine and Collagen Diagnostic Laboratory, University of Washington).

NM_000090.4(COL3A1):c.1249G>A (p.Gly417Arg)

Gene: COL3A1 (collagen type III alpha 1 chain; plus strand). Cytogenetic location: 2q32.2.
Variant type: single nucleotide variant.
Coding change: c.1249G>A on transcript NM_000090.4 (MANE Select); coding-DNA position 1249, G replaced by A.
Protein change: p.Gly417Arg; replaces glycine 417 with arginine.
Molecular consequence: missense variant.
Genome position (GRCh38, 1-based): chr2:188,994,288, G>A. VCF-style: chr2-188994288-G-A. GRCh37 (hg19) VCF-style: chr2-189859014-G-A.
Identifiers: ClinVar variation 101369 (VCV000101369.3), dbSNP rs587779637, ClinGen allele CA004166.